The following is an entry in ClinVar:

ClinVar aggregate classification (germline): Pathogenic/Likely pathogenic. Review status: criteria provided, multiple submitters, no conflicts (2 of 4 stars). 5 submissions from 5 submitters: Pathogenic (1); Likely pathogenic (2). 2 of the submissions do not count toward it. Last evaluated 2025-04-02.

Conditions:
Chronic granulomatous disease. Identifiers: Orphanet 379, MedGen C0018203, MONDO:0018305.
Granulomatous disease, chronic, autosomal recessive, cytochrome b-negative. Also called: Chronic granulomatous disease, autosomal, due to deficiency of CYBA; CGD DUE TO DEFICIENCY OF THE ALPHA SUBUNIT OF CYTOCHROME b; CGD, AUTOSOMAL RECESSIVE CYTOCHROME b-NEGATIVE; GRANULOMATOUS DISEASE, CHRONIC, AUTOSOMAL RECESSIVE, 4; CYBA DEFICIENCY. Identifiers: Orphanet 379, MedGen C1856255, MONDO:0009308, OMIM 233690.

Allele frequency attached by ClinVar (database versions not stated): TOPMed 0.00013.
gnomAD v4.1: 19 of 1,555,432 alleles (0.0012%); highest among the groups gnomAD compares: Admixed American, 0.017%; no homozygotes.

Submissions (5):

Labcorp Genetics (formerly Invitae), Labcorp
Classification: Likely pathogenic for Granulomatous disease, chronic, autosomal recessive, cytochrome b-negative. Last evaluated: 2025-04-02. Review status: criteria provided, single submitter. Criteria: Invitae Variant Classification Sherloc (09022015). Collection method: clinical testing. Allele origin: germline.
Comment: This sequence change replaces serine, which is neutral and polar, with arginine, which is basic and polar, at codon 118 of the CYBA protein (p.Ser118Arg). The frequency data for this variant in the population databases is considered unreliable, as metrics indicate poor data quality at this position in the gnomAD database. This missense change has been observed in individuals with chronic granulomatous disease (PMID: 2243141, 10910929, 20167518, 21190454, 26185101, 26936803, 28341171, 32040803). This variant is also known as C-382>A. ClinVar contains an entry for this variant (Variation ID: 2259). An algorithm developed to predict the effect of missense changes on protein structure and function (PolyPhen-2) suggests that this variant is likely to be disruptive. Experimental studies have shown that this missense change affects CYBA function (PMID: 36606663). This variant disrupts the p.Ser118 amino acid residue in CYBA. Other variant(s) that disrupt this residue have been observed in individuals with CYBA-related conditions (PMID: 31456102, 32081864), which suggests that this may be a clinically significant amino acid residue. In summary, the currently available evidence indicates that the variant is pathogenic, but additional data are needed to prove that conclusively. Therefore, this variant has been classified as Likely Pathogenic.

Natera, Inc.
Classification: Likely pathogenic for Chronic granulomatous disease. Last evaluated: 2025-03-21. Review status: criteria provided, single submitter. Criteria: Natera Variant Classification Schema (03/2026). Collection method: clinical testing. Allele origin: germline.
Comment: The c.354C>A variant in CYBA is a missense variant predicted to cause substitution of serine to arginine at amino acid 118. This variant is rare in the general population with a frequency below the threshold expected for the associated phenotype(s). This variant has been observed in one or more individuals affected with the associated recessive disease, as either homozygous or compound heterozygous with a second variant (PMID: 10910929, 32040803). Functional studies show that this variant may disrupt protein function (PMID: 36606663). Computational prediction algorithms indicate this variant is likely to affect gene or protein function. Given the available evidence, this variant is classified as Likely Pathogenic.

Women's Health and Genetics/Laboratory Corporation of America, LabCorp
Classification: Pathogenic for Chronic granulomatous disease. Last evaluated: 2021-09-21. Review status: criteria provided, single submitter. Criteria: LabCorp Variant Classification Summary - May 2015. Collection method: clinical testing. Allele origin: germline.
Comment: Variant summary: CYBA c.354C>A (p.Ser118Arg) results in a non-conservative amino acid change in the encoded protein sequence. Five of five in-silico tools predict a damaging effect of the variant on protein function. The variant allele was found at a frequency of 4.3e-05 in 162154 control chromosomes. c.354C>A has been reported in the literature predominantly as a homozygous genotype and in a few cases of unspecified genotype in multiple well diagnosed individuals of Hispanic/Mexican ancestry affected with Chronic Granulomatous Disease (example, Dinauer_1990, Rae_2000, Kuhns_2010, Conti_2016, Garcia-Morato_2017, Blancas-Galicia_2020). These data indicate that the variant is very likely to be associated with disease. At least one publication reports experimental evidence evaluating an impact on protein function. The most pronounced variant effect results in a complete absence of absence of NADPH oxidase activity and flavocytochrome b558 levels in Neutrophil functional assays performed on a homozygous patient (example, Rae_2000). One clinical diagnostic laboratory has submitted clinical-significance assessments for this variant to ClinVar after 2014 and classified the variant as uncertain significance citing overlapping evidence utilized in the context of this evaluation. Based on the evidence outlined above, the variant was classified as pathogenic.

OMIM
Classification: Pathogenic for GRANULOMATOUS DISEASE, CHRONIC, AUTOSOMAL RECESSIVE, 4. Last evaluated: 1990-11-01. Review status: no assertion criteria provided. Collection method: literature only. Allele origin: germline. Not counted in ClinVar's aggregate classification.

UniProtKB/Swiss-Prot
No classification provided. Review status: no classification provided. Collection method: not provided. Allele origin: germline. Not counted in ClinVar's aggregate classification.

Literature cited by the submitters: PubMed 2243141 (cited by 3 submitters); PubMed 10910929 (cited by 3 submitters); PubMed 20167518 (cited by Labcorp Genetics (formerly Invitae), Labcorp); PubMed 21190454 (cited by Labcorp Genetics (formerly Invitae), Labcorp and Women's Health and Genetics/Laboratory Corporation of America, LabCorp); PubMed 26185101 (cited by Labcorp Genetics (formerly Invitae), Labcorp); PubMed 26936803 (cited by Labcorp Genetics (formerly Invitae), Labcorp and Women's Health and Genetics/Laboratory Corporation of America, LabCorp); PubMed 28341171 (cited by Labcorp Genetics (formerly Invitae), Labcorp and Women's Health and Genetics/Laboratory Corporation of America, LabCorp); PubMed 32040803 (cited by 3 submitters); PubMed 36606663 (cited by Labcorp Genetics (formerly Invitae), Labcorp and Natera, Inc.); PubMed 31456102 (cited by Labcorp Genetics (formerly Invitae), Labcorp); PubMed 32081864 (cited by Labcorp Genetics (formerly Invitae), Labcorp).

NM_000101.4(CYBA):c.354C>A (p.Ser118Arg)

Gene: CYBA (cytochrome b-245 alpha chain; minus strand). Cytogenetic location: 16q24.2.
Variant type: single nucleotide variant.
Coding change: c.354C>A on transcript NM_000101.4 (MANE Select); coding-DNA position 354, C replaced by A.
Protein change: p.Ser118Arg; replaces serine 118 with arginine.
Molecular consequence: missense variant.
Genome position (GRCh38, 1-based): chr16:88,646,131, G>T on the plus strand (C>A on the coding strand, the complement: CYBA is on the minus strand). VCF-style: chr16-88646131-G-T. GRCh37 (hg19) VCF-style: chr16-88712539-G-T.
Other names: c.354C>A, p.Ser118Arg (LRG_52t1); short protein forms S118R.
Identifiers: ClinVar variation 2259 (VCV000002259.11), dbSNP rs104894514, ClinGen allele CA115450.